The following is an entry in ClinVar:

ClinVar aggregate classification (germline): Uncertain significance (1 of 4 stars; one submission).

gnomAD v4.1: 2 of 1,614,156 alleles (0.00012%); highest among the groups gnomAD compares: African/African-American, 0.0013%; no homozygotes.

Submission:

CeGaT Center for Human Genetics Tuebingen
Classification: Uncertain significance. Last evaluated: 2025-04-01. Review status: criteria provided, single submitter. Criteria: CeGaT Center For Human Genetics Tuebingen Variant Classification Criteria Version 2. Collection method: clinical testing. Allele origin: germline. Affected: yes. Observed: 1 variant allele.
Comment: USH1C: PM2, BP4

NM_153676.4(USH1C):c.261G>A (p.Glu87=)

Gene: USH1C (USH1 protein network component harmonin; minus strand). Cytogenetic location: 11p15.1.
Variant type: single nucleotide variant.
Coding change: c.261G>A on transcript NM_153676.4 (MANE Select); coding-DNA position 261, G replaced by A.
Protein change: p.Glu87=; no amino-acid change (glutamic acid 87 retained).
Molecular consequence: synonymous variant. On other transcripts: non-coding transcript variant (1).
Genome position (GRCh38, 1-based): chr11:17,531,280, C>T on the plus strand (G>A on the coding strand, the complement: USH1C is on the minus strand). VCF-style: chr11-17531280-C-T. GRCh37 (hg19) VCF-style: chr11-17552827-C-T.
Other names: c.261G>A, p.Glu87= (NM_001297764.2, NM_005709.4).
Identifiers: ClinVar variation 3898703 (VCV003898703.7).